The following is an entry in ClinVar:

NM_032608.7(MYO18B):c.1055A>G (p.Gln352Arg)

Gene: MYO18B (myosin XVIIIB; plus strand). Cytogenetic location: 22q12.1.
Variant type: single nucleotide variant.
Coding change: c.1055A>G on transcript NM_032608.7 (MANE Select); coding-DNA position 1055, A replaced by G.
Protein change: p.Gln352Arg; replaces glutamine 352 with arginine.
Molecular consequence: missense variant.
Genome position (GRCh38, 1-based): chr22:25,768,971, A>G. VCF-style: chr22-25768971-A-G. GRCh37 (hg19) VCF-style: chr22-26164938-A-G.
Other names: c.1055A>G, p.Gln352Arg (NM_001318245.2); c.1055A>G (NM_032608.5); short protein forms Q352R.
Identifiers: ClinVar variation 1469226 (VCV001469226.6), dbSNP rs370279668, ClinGen allele CA10159750.

ClinVar aggregate classification (germline): Uncertain significance. Review status: criteria provided, multiple submitters, no conflicts (2 of 4 stars). 2 submissions from 2 submitters: Uncertain significance (2). Last evaluated 2025-12-08.

Conditions:
Inborn genetic diseases. Identifiers: MedGen C0950123, MeSH D030342.

Allele frequency attached by ClinVar (database versions not stated): TOPMed 0.00003; ESP Exome Variant Server 0.00008; gnomAD exomes below 0.00001 and 0.00001; gnomAD 0.00003 and 0.00004; ExAC 0.00002.
gnomAD v4.1: 6 of 1,611,346 alleles (0.00037%); highest among the groups gnomAD compares: African/African-American, 0.008%; no homozygotes.

Submissions (2):

Ambry Genetics
Classification: Uncertain significance for Inborn genetic diseases. Last evaluated: 2025-12-08. Review status: criteria provided, single submitter. Criteria: Ambry Variant Classification Scheme 2023. Collection method: clinical testing. Allele origin: germline.

Labcorp Genetics (formerly Invitae), Labcorp
Classification: Uncertain significance. Last evaluated: 2022-03-18. Review status: criteria provided, single submitter. Criteria: Invitae Variant Classification Sherloc (09022015). Collection method: clinical testing. Allele origin: germline.
Comment: The frequency data for this variant in the population databases is considered unreliable, as metrics indicate poor data quality at this position in the gnomAD database. In summary, the available evidence is currently insufficient to determine the role of this variant in disease. Therefore, it has been classified as a Variant of Uncertain Significance. Algorithms developed to predict the effect of missense changes on protein structure and function are either unavailable or do not agree on the potential impact of this missense change (SIFT: "Not Available"; PolyPhen-2: "Possibly Damaging"; Align-GVGD: "Not Available"). This variant has not been reported in the literature in individuals affected with MYO18B-related conditions. This sequence change replaces glutamine with arginine at codon 352 of the MYO18B protein (p.Gln352Arg). The glutamine residue is weakly conserved and there is a small physicochemical difference between glutamine and arginine.